The following is an entry in ClinVar:

NM_152296.5(ATP1A3):c.2051C>A (p.Ser684Tyr)

Gene: ATP1A3 (ATPase Na+/K+ transporting subunit alpha 3; minus strand). Cytogenetic location: 19q13.2.
Variant type: single nucleotide variant.
Coding change: c.2051C>A on transcript NM_152296.5 (MANE Select); coding-DNA position 2051, C replaced by A.
Protein change: p.Ser684Tyr; replaces serine 684 with tyrosine.
Molecular consequence: missense variant.
Genome position (GRCh38, 1-based): chr19:41,976,459, G>T on the plus strand (C>A on the coding strand, the complement: ATP1A3 is on the minus strand). VCF-style: chr19-41976459-G-T. GRCh37 (hg19) VCF-style: chr19-42480611-G-T.
Other names: c.2084C>A, p.Ser695Tyr (NM_001256213.2); c.2090C>A, p.Ser697Tyr (NM_001256214.2); short protein forms S684Y, S695Y, S697Y.
Identifiers: ClinVar variation 2124880 (VCV002124880.4), dbSNP rs397515577, ClinGen allele CA406042773.

ClinVar aggregate classification (germline): Likely pathogenic (1 of 4 stars; one submission).

Conditions:
Dystonia 12 (DYT12). Also called: Rapid-Onset Dystonia-Parkinsonism (RDP); DYT-ATP1A3. Identifiers: Orphanet 71517, MedGen C1868681, MONDO:0007496, OMIM 128235.

Submission:

Labcorp Genetics (formerly Invitae), Labcorp
Classification: Likely pathogenic for Dystonia 12. Last evaluated: 2024-06-08. Review status: criteria provided, single submitter. Criteria: Invitae Variant Classification Sherloc (09022015). Collection method: clinical testing. Allele origin: germline.
Comment: This sequence change replaces serine, which is neutral and polar, with tyrosine, which is neutral and polar, at codon 684 of the ATP1A3 protein (p.Ser684Tyr). This variant is not present in population databases (gnomAD no frequency). This variant has not been reported in the literature in individuals affected with ATP1A3-related conditions. ClinVar contains an entry for this variant (Variation ID: 2124880). Advanced modeling of protein sequence and biophysical properties (such as structural, functional, and spatial information, amino acid conservation, physicochemical variation, residue mobility, and thermodynamic stability) performed at Invitae indicates that this missense variant is expected to disrupt ATP1A3 protein function with a positive predictive value of 95%. This variant disrupts the p.Ser684 amino acid residue in ATP1A3. Other variant(s) that disrupt this residue have been determined to be pathogenic (PMID: 19936820, 24523486; Invitae). This suggests that this residue is clinically significant, and that variants that disrupt this residue are likely to be disease-causing. In summary, the currently available evidence indicates that the variant is pathogenic, but additional data are needed to prove that conclusively. Therefore, this variant has been classified as Likely Pathogenic.

Literature cited by the submitters: PubMed 19936820; PubMed 24523486.